The following is an entry in ClinVar:

NM_002474.3(MYH11):c.2520+3G>A

Gene: MYH11 (myosin heavy chain 11; minus strand). Cytogenetic location: 16p13.11.
Variant type: single nucleotide variant.
Coding change: c.2520+3G>A on transcript NM_002474.3 (MANE Select); 3 bases into the intron after coding-DNA position 2520, G replaced by A.
Molecular consequence: intron variant.
Genome position (GRCh38, 1-based): chr16:15,745,126, C>T on the plus strand (G>A on the coding strand, the complement: MYH11 is on the minus strand). VCF-style: chr16-15745126-C-T. GRCh37 (hg19) VCF-style: chr16-15838983-C-T.
Other names: c.2520+3G>A (NM_022844.3); c.2541+3G>A (NM_001040114.2, NM_001040113.2).
Identifiers: ClinVar variation 1171147 (VCV001171147.2), dbSNP rs750078792, ClinGen allele CA621069524.

ClinVar aggregate classification (germline): Uncertain significance (1 of 4 stars; one submission).

Conditions:
Familial thoracic aortic aneurysm and aortic dissection (TAAD). Also called: Thoracic aortic aneurysms and dissections. Identifiers: Orphanet 91387, MedGen C4707243, MONDO:0019625.

gnomAD v4.1: 2 of 1,613,322 alleles (0.00012%); highest among the groups gnomAD compares: Admixed American, 0.0017%; no homozygotes.

Submission:

Color Diagnostics, LLC DBA Color Health
Classification: Uncertain significance for Familial thoracic aortic aneurysm and aortic dissection. Last evaluated: 2020-10-20. Review status: criteria provided, single submitter. Criteria: ACMG Guidelines, 2015. Collection method: clinical testing. Allele origin: germline.
Comment: This variant causes a G to A nucleotide substitution at the +3 position of intron 21 of the MYH11 gene. To our knowledge, functional studies have not been reported for this variant. This variant has not been reported in individuals affected with cardiovascular disorders in the literature. This variant has been identified in 2/251314 chromosomes in the general population by the Genome Aggregation Database (gnomAD). The available evidence is insufficient to determine the role of this variant in disease conclusively. Therefore, this variant is classified as a Variant of Uncertain Significance.